The following is an entry in ClinVar:

ClinVar aggregate classification (germline): Uncertain significance (1 of 4 stars; one submission).

Conditions:
Hereditary cancer-predisposing syndrome. Also called: Neoplastic Syndromes, Hereditary; Tumor predisposition; Hereditary Cancer Syndrome; Hereditary neoplastic syndrome. Identifiers: Orphanet 140162, MedGen C0027672, MeSH D009386, MONDO:0015356.

Submission:

Ambry Genetics
Classification: Uncertain significance for Hereditary cancer-predisposing syndrome. Last evaluated: 2026-04-05. Review status: criteria provided, single submitter. Criteria: Ambry Variant Classification Scheme 2023. Collection method: clinical testing. Allele origin: germline.
Comment: The p.V841F variant (also known as c.2521G>T), located in coding exon 21 of the TSC2 gene, results from a G to T substitution at nucleotide position 2521. The valine at codon 841 is replaced by phenylalanine, an amino acid with highly similar properties. This amino acid position is conserved. In addition, the in silico prediction for this alteration is inconclusive. Based on the available evidence, the clinical significance of this variant remains unclear.

NM_000548.5(TSC2):c.2521G>T (p.Val841Phe)

Gene: TSC2 (TSC complex subunit 2; plus strand). Cytogenetic location: 16p13.3.
Variant type: single nucleotide variant.
Coding change: c.2521G>T on transcript NM_000548.5 (MANE Select); coding-DNA position 2521, G replaced by T.
Protein change: p.Val841Phe; replaces valine 841 with phenylalanine.
Molecular consequence: missense variant. On other transcripts: non-coding transcript variant (5).
Genome position (GRCh38, 1-based): chr16:2,074,365, G>T. VCF-style: chr16-2074365-G-T. GRCh37 (hg19) VCF-style: chr16-2124366-G-T.
Other names: c.2521G>T, p.Val841Phe (NM_001077183.3, NM_001114382.3, NM_001363528.2 and 6 more transcripts); c.2410G>T, p.Val804Phe (NM_001318827.2, NM_001406670.1, NM_001406678.1); c.2374G>T, p.Val792Phe (NM_001318829.2, NM_001406675.1, NM_001406676.1 and 1 more transcripts); c.1921G>T, p.Val641Phe (NM_001318831.2, NM_001406684.1, NM_001406685.1 and 6 more transcripts); c.2554G>T, p.Val852Phe (NM_001318832.2); c.2611G>T, p.Val871Phe (NM_001406667.1, NM_001406668.1); c.2509G>T, p.Val837Phe (NM_001406671.1, NM_001406673.1); c.1177G>T, p.Val393Phe (NM_001406689.1, NM_001406690.1, NM_001406691.1 and 6 more transcripts); and 3 more; short protein forms V307F, V393F, V641F, V687F, V792F, V804F, V822F, V837F.
Identifiers: ClinVar variation 4866057 (VCV004866057.1).